The following is an entry in ClinVar:

NM_006118.4(HAX1):c.25G>C (p.Gly9Arg)

Gene: HAX1 (HCLS1 associated protein X-1; plus strand). Cytogenetic location: 1q21.3.
Variant type: single nucleotide variant.
Coding change: c.25G>C on transcript NM_006118.4 (MANE Select); coding-DNA position 25, G replaced by C.
Protein change: p.Gly9Arg; replaces glycine 9 with arginine.
Molecular consequence: missense variant.
Genome position (GRCh38, 1-based): chr1:154,272,748, G>C. VCF-style: chr1-154272748-G-C. GRCh37 (hg19) VCF-style: chr1-154245224-G-C.
Other names: c.25G>C, p.Gly9Arg (NM_001018837.2); short protein forms G9R.
Identifiers: ClinVar variation 4033827 (VCV004033827.1).
Genomic context (GRCh38, chr1:154,272,748, plus strand): 5'-CTGGAGGGGTTCAAAGGTTCGCGTCCCAGTACGGGAATGAGCCTCTTTGATCTCTTCCGG[G>C]GCTTTTTCGGCTTTCCTGGACCTCGGAGGTGAGAGTAGGTCCGGCTCGGACAAGGGTGGG-3'
Protein context (NP_006109.2, residues 1-19): MSLFDLFR[Gly9Arg]FFGFPGPRSH

ClinVar aggregate classification (germline): Uncertain significance (1 of 4 stars; one submission).

Conditions:
Inborn genetic diseases. Identifiers: MedGen C0950123, MeSH D030342.

Submission:

Ambry Genetics
Classification: Uncertain significance for Inborn genetic diseases. Last evaluated: 2025-03-19. Review status: criteria provided, single submitter. Criteria: Ambry Variant Classification Scheme 2023. Collection method: clinical testing. Allele origin: germline.
Comment: The p.G9R variant (also known as c.25G>C), located in coding exon 1 of the HAX1 gene, results from a G to C substitution at nucleotide position 25. The glycine at codon 9 is replaced by arginine, an amino acid with dissimilar properties. This amino acid position is conserved. In addition, the in silico prediction for this alteration is inconclusive. Based on the available evidence, the clinical significance of this variant remains unclear.